The following is an entry in ClinVar:

ClinVar aggregate classification (germline): Likely benign (1 of 4 stars; one submission).

Submission:

CeGaT Center for Human Genetics Tuebingen
Classification: Likely benign. Last evaluated: 2022-12-01. Review status: criteria provided, single submitter. Criteria: CeGaT Center For Human Genetics Tuebingen Variant Classification Criteria Version 2. Collection method: clinical testing. Allele origin: germline. Affected: yes. Observed: 1 variant allele.
Comment: URB2: PM2:Supporting, BP4, BP7

NM_014777.4(URB2):c.3255T>A (p.Ser1085=)

Gene: URB2 (URB2 ribosome biogenesis homolog; plus strand). Cytogenetic location: 1q42.13.
Variant type: single nucleotide variant.
Coding change: c.3255T>A on transcript NM_014777.4 (MANE Select); coding-DNA position 3255, T replaced by A.
Protein change: p.Ser1085=; no amino-acid change (serine 1085 retained).
Molecular consequence: synonymous variant.
Genome position (GRCh38, 1-based): chr1:229,637,868, T>A. VCF-style: chr1-229637868-T-A. GRCh37 (hg19) VCF-style: chr1-229773615-T-A.
Other names: c.3255T>A, p.Ser1085= (NM_001314021.2).
Identifiers: ClinVar variation 2640065 (VCV002640065.24), dbSNP rs1665888932, ClinGen allele CA424036189.